The following is an entry in ClinVar:

NM_001297.5(CNGB1):c.3384A>C (p.Lys1128Asn)

Gene: CNGB1 (cyclic nucleotide gated channel subunit beta 1; minus strand). Cytogenetic location: 16q21.
Variant type: single nucleotide variant.
Coding change: c.3384A>C on transcript NM_001297.5 (MANE Select); coding-DNA position 3384, A replaced by C.
Protein change: p.Lys1128Asn; replaces lysine 1128 with asparagine.
Molecular consequence: missense variant.
Genome position (GRCh38, 1-based): chr16:57,887,933, T>G on the plus strand (A>C on the coding strand, the complement: CNGB1 is on the minus strand). VCF-style: chr16-57887933-T-G. GRCh37 (hg19) VCF-style: chr16-57921837-T-G.
Other names: c.3366A>C, p.Lys1122Asn (NM_001286130.2); short protein forms K1122N, K1128N.
Identifiers: ClinVar variation 966123 (VCV000966123.9), dbSNP rs981771347, ClinGen allele CA281606904.

ClinVar aggregate classification (germline): Uncertain significance (1 of 4 stars; one submission).

Allele frequency attached by ClinVar (database versions not stated): gnomAD exomes below 0.00001; gnomAD 0.00002; TOPMed 0.00002.
gnomAD v4.1: 5 of 1,614,082 alleles (0.00031%); highest among the groups gnomAD compares: African/African-American, 0.0067%; no homozygotes.

Submission:

Labcorp Genetics (formerly Invitae), Labcorp
Classification: Uncertain significance. Last evaluated: 2022-09-27. Review status: criteria provided, single submitter. Criteria: Invitae Variant Classification Sherloc (09022015). Collection method: clinical testing. Allele origin: germline.
Comment: This variant has not been reported in the literature in individuals affected with CNGB1-related conditions. In summary, the available evidence is currently insufficient to determine the role of this variant in disease. Therefore, it has been classified as a Variant of Uncertain Significance. Advanced modeling of protein sequence and biophysical properties (such as structural, functional, and spatial information, amino acid conservation, physicochemical variation, residue mobility, and thermodynamic stability) performed at Invitae indicates that this missense variant is not expected to disrupt CNGB1 protein function. ClinVar contains an entry for this variant (Variation ID: 966123). This variant is present in population databases (no rsID available, gnomAD 0.01%). This sequence change replaces lysine, which is basic and polar, with asparagine, which is neutral and polar, at codon 1128 of the CNGB1 protein (p.Lys1128Asn).